The following continues an entry in ClinVar:

NM_000257.4(MYH7):c.5134C>T (p.Arg1712Trp)

ClinVar aggregate classification (germline): Likely pathogenic. Likely pathogenic (1).

Submissions 7 to 15 of 15:

Dasa
Classification: Likely pathogenic. Last evaluated: 2024-11-15. Review status: criteria provided, single submitter. Criteria: DASA Assertion Criteria. Collection method: clinical testing. Allele origin: germline. Not counted in ClinVar's aggregate classification.
Comment: NM_000257.4(MYH7):c.5134C>T (p.Arg1712Trp) is a missense variant that results in the substitution of arginine with tryptophan. The affected residue or protein region has prior evidence supporting clinical relevance. This variant has been recurrently observed in individuals with MYH7-related disorders (PMID: 24498601; PMID: 15483641). Segregation data support an association with disease in the reported family/families (PMID: 24498601; PMID: 15483641). Also, this variant is rare in population databases. Computational evidence supports a deleterious effect. Based on the currently available evidence, this variant is classified as likely pathogenic.

Blueprint Genetics
Classification: Pathogenic for MYH7-related disorders. Last evaluated: 2024-06-27. Review status: criteria provided, single submitter. Criteria: ACMG Guidelines, 2015. Collection method: clinical testing. Allele origin: germline. Affected: yes. Observed: 3 variant alleles. Not counted in ClinVar's aggregate classification.

All of Us Research Program, National Institutes of Health
Classification: Likely pathogenic for Hypertrophic cardiomyopathy. Last evaluated: 2023-07-19. Review status: criteria provided, single submitter. Criteria: ACMG Guidelines, 2015. Collection method: clinical testing. Allele origin: germline. Inheritance: Autosomal dominant inheritance. Observed: 1 variant allele, 1 heterozygote. Not counted in ClinVar's aggregate classification.
Comment: This missense variant replaces arginine with tryptophan at codon 1712 in the LMM domain of the MYH7 protein. Computational prediction suggests that this variant may have deleterious impact on protein structure and function (internally defined REVEL score threshold >= 0.7, PMID: 27666373). To our knowledge, functional studies have not been reported for this variant. This variant has been reported in individuals affected with hypertrophic cardiomyopathy (PMID: 15483641, 23197161, 24498601, 25892673, 28790153, 30297972, doi:10.19193/0393-6384_2019_5_383). Some of these individuals also carried a mitochondrial variant in the MT-CYB gene (PMID: 24498601). It has been shown that this variant segregates with disease in multiple affected individuals across two families (PMID: 24498601, doi:10.19193/0393-6384_2019_5_383). This variant has also been reported in homozygous state in two siblings affected with recessive myopathy with no cardiac involvement; both heterozygous parents were unaffected (PMID: 31130376). A different variant occurring at the same codon, p.Arg1712Gln, is a well documented pathogenic mutation (Clinvar variation ID: 36642), indicating that arginine at this position is important for MYH7 protein function. This variant has not been identified in the general population by the Genome Aggregation Database (gnomAD). Based on the available evidence, this variant is classified as Likely Pathogenic.

This study involves interpretation of variants in research participants for the purpose of population health screening. Participant phenotype was not available at the time of variant classification. Additional details can be found in publication PMID: 35346344, PMCID: PMC8962531

Mayo Clinic Laboratories, Mayo Clinic
Classification: Likely pathogenic. Last evaluated: 2023-06-29. Review status: criteria provided, single submitter. Criteria: ACMG Guidelines, 2015. Collection method: clinical testing. Allele origin: germline. Observed: 1 variant allele. Not counted in ClinVar's aggregate classification.
Comment: PP1_moderate, PP3, PM2, PM5, PS3_supporting, PS4_moderate

Clinical Center for Gene Diagnosis and Therapy, Department of Cardiovascular Surgery, The Second Xiangya Hospital of Central South University
Classification: Pathogenic for Primary familial hypertrophic cardiomyopathy. Last evaluated: 2023-06-01. Review status: criteria provided, single submitter. Criteria: ACMG Guidelines, 2015. Collection method: clinical testing. Allele origin: germline. Affected: yes. Not counted in ClinVar's aggregate classification.

Laboratory for Molecular Medicine, Mass General Brigham Personalized Medicine
Classification: Likely pathogenic for Hypertrophic cardiomyopathy. Last evaluated: 2020-07-14. Review status: criteria provided, single submitter. Criteria: ACMG Guidelines, 2015. Collection method: clinical testing. Allele origin: germline. Inheritance: Autosomal dominant inheritance. Not counted in ClinVar's aggregate classification.
Comment: The p.Arg1712Trp variant in MYH7 has been reported in the heterozygous state in at least 6 individuals with hypertrophic cardiomyopathy (HCM) and segregated with disease in 6 affected individuals from two families (Hougs 2005 PMID:15483641, Gruner 2011 PMID:21511876, Jensen 2013 PMID:23197161, Hagen 2013 PMID:24498601, Mu 2019, LMM data). One of these individuals also carried another disease-causing variant in another HCM gene (Gruner 2011 PMID:21511876). This variant has also been identified in the homozygous state in 2 siblings from a consanguineous family with myopathy and normal cardiac function (Beecroft 2019 PMID:31130376). This variant been reported by other clinical laboratories in ClinVar (Variation ID 14118). Data from the gnomAD population database is insufficient to assess the frequency of this variant; however, this variant is absent from the ExAC database. In vitro functional studies provide some evidence that this variant impacts protein function (Beecroft 2019 PMID:31130376) and computational prediction tools and conservation analysis are consistent with pathogenicity. An additional variant involving this codon (p.Arg1712Gln) has been identified in individuals with HCM and is classified as likely pathogenic by the ClinGen Inherited Cardiomyopathy Expert Panel (SCV000564455.2). In summary, although additional studies are required to fully establish its clinical significance, this variant meets criteria to be classified as likely pathogenic for autosomal dominant HCM. ACMG/AMP Criteria applied: PS4_Supporting, PP1_Moderate, PM2, PS3_Supporting, PP3, PM5_Supporting.

Juno Genomics, Hangzhou Juno Genomics, Inc
Classification: Likely pathogenic for Hypertrophic cardiomyopathy 1. Review status: criteria provided, single submitter. Criteria: ACMG Guidelines, 2015. Collection method: clinical testing. Allele origin: germline. Affected: yes. Not counted in ClinVar's aggregate classification.
Comment: Absent from controls (or at extremely low frequency if recessive) in Genome Aggregation Database.;Multiple lines of computational evidence support a deleterious effect on the gene or gene product.;Novel missense change at an amino acid residue where a different missense change determined to be pathogenic has been seen before.;The prevalence of the variant in affected individuals is significantly increased compared to the prevalence in controls.

OMIM
Classification: Pathogenic for CARDIOMYOPATHY, FAMILIAL HYPERTROPHIC, 1. Last evaluated: 2005-02-01. Review status: no assertion criteria provided. Collection method: literature only. Allele origin: germline. Not counted in ClinVar's aggregate classification.

OMIM
Classification: Pathogenic for CONGENITAL MYOPATHY 7B, MYOSIN STORAGE, AUTOSOMAL RECESSIVE. Last evaluated: 2005-02-01. Review status: no assertion criteria provided. Collection method: literature only. Allele origin: germline. Not counted in ClinVar's aggregate classification.

Literature cited by the submitters: PubMed 15483641 (cited by 8 submitters); PubMed 18403758 (cited by 3 submitters); PubMed 21511876 (cited by 4 submitters); PubMed 23785128 (cited by Labcorp Genetics (formerly Invitae), Labcorp); PubMed 24510615 (cited by Labcorp Genetics (formerly Invitae), Labcorp and Mayo Clinic Laboratories, Mayo Clinic); PubMed 27247418 (cited by Labcorp Genetics (formerly Invitae), Labcorp); PubMed 27532257 (cited by Labcorp Genetics (formerly Invitae), Labcorp); PubMed 23197161 (cited by 5 submitters); PubMed 24498601 (cited by 6 submitters); PubMed 25892673 (cited by 4 submitters); PubMed 28790153 (cited by 4 submitters); PubMed 30297972 (cited by 4 submitters); PubMed 31130376 (cited by 6 submitters); PubMed 32894683 (cited by Color Diagnostics, LLC DBA Color Health and Mayo Clinic Laboratories, Mayo Clinic); PubMed 12881443 (cited by Mayo Clinic Laboratories, Mayo Clinic and Laboratory for Molecular Medicine, Mass General Brigham Personalized Medicine); PubMed 32710294 (cited by Mayo Clinic Laboratories, Mayo Clinic); PubMed 34691145 (cited by Mayo Clinic Laboratories, Mayo Clinic).